The following is an entry in ClinVar:

NM_004525.3(LRP2):c.9987C>G (p.His3329Gln)

Gene: LRP2 (LDL receptor related protein 2; minus strand). Cytogenetic location: 2q31.1.
Variant type: single nucleotide variant.
Coding change: c.9987C>G on transcript NM_004525.3 (MANE Select); coding-DNA position 9987, C replaced by G.
Protein change: p.His3329Gln; replaces histidine 3329 with glutamine.
Molecular consequence: missense variant.
Genome position (GRCh38, 1-based): chr2:169,182,178, G>C on the plus strand (C>G on the coding strand, the complement: LRP2 is on the minus strand). VCF-style: chr2-169182178-G-C. GRCh37 (hg19) VCF-style: chr2-170038688-G-C.
Other names: c.9987C>G (NM_004525.2); short protein forms H3329Q.
Identifiers: ClinVar variation 1378022 (VCV001378022.6), dbSNP rs750305015, ClinGen allele CA1953470.
Genomic context (GRCh38, chr2:169,182,178, plus strand): 5'-GCAGAAGAAGGAGGTGAAAGAAAAGCCCAGGATTGCAGGGAGACAATACCCATATTGAGG[G>C]TGAAGGGCAAGTCCTCTGGGATTATCAAAGCAGAAGGTGTTGTTGGCATCCACACAGTGC-3'
Protein context (NP_004516.2, residues 3319-3339): CFDNPRGLAL[His3329Gln]PQYGYLYWAD

ClinVar aggregate classification (germline): Uncertain significance. Review status: criteria provided, multiple submitters, no conflicts (2 of 4 stars). 2 submissions from 2 submitters: Uncertain significance (2). Last evaluated 2022-08-16.

Conditions:
Inborn genetic diseases. Identifiers: MedGen C0950123, MeSH D030342.

Allele frequency attached by ClinVar (database versions not stated): gnomAD 0.00001; gnomAD exomes 0.00002 and 0.00005; ExAC 0.00007.
gnomAD v4.1: 37 of 1,614,000 alleles (0.0023%); highest among the groups gnomAD compares: South Asian, 0.041%; 1 homozygote.

Submissions (2):

Labcorp Genetics (formerly Invitae), Labcorp
Classification: Uncertain significance. Last evaluated: 2022-08-16. Review status: criteria provided, single submitter. Criteria: Invitae Variant Classification Sherloc (09022015). Collection method: clinical testing. Allele origin: germline.
Comment: This sequence change replaces histidine, which is basic and polar, with glutamine, which is neutral and polar, at codon 3329 of the LRP2 protein (p.His3329Gln). This variant is present in population databases (rs750305015, gnomAD 0.04%). This variant has not been reported in the literature in individuals affected with LRP2-related conditions. ClinVar contains an entry for this variant (Variation ID: 1378022). Advanced modeling of protein sequence and biophysical properties (such as structural, functional, and spatial information, amino acid conservation, physicochemical variation, residue mobility, and thermodynamic stability) performed at Invitae indicates that this missense variant is expected to disrupt LRP2 protein function. Algorithms developed to predict the effect of sequence changes on RNA splicing suggest that this variant may create or strengthen a splice site. In summary, the available evidence is currently insufficient to determine the role of this variant in disease. Therefore, it has been classified as a Variant of Uncertain Significance.

Ambry Genetics
Classification: Uncertain significance for Inborn genetic diseases. Last evaluated: 2021-10-12. Review status: criteria provided, single submitter. Criteria: Ambry Variant Classification Scheme 2023. Collection method: clinical testing. Allele origin: germline.